The following is an entry in ClinVar:

NM_007255.3(B4GALT7):c.867T>C (p.Thr289=)

Gene: B4GALT7 (beta-1,4-galactosyltransferase 7; plus strand). Cytogenetic location: 5q35.3.
Variant type: single nucleotide variant.
Coding change: c.867T>C on transcript NM_007255.3 (MANE Select); coding-DNA position 867, T replaced by C.
Protein change: p.Thr289=; no amino-acid change (threonine 289 retained).
Molecular consequence: synonymous variant.
Genome position (GRCh38, 1-based): chr5:177,609,578, T>C. VCF-style: chr5-177609578-T-C. GRCh37 (hg19) VCF-style: chr5-177036579-T-C.
Other names: p.Thr289=.
Identifiers: ClinVar variation 517701 (VCV000517701.16), dbSNP rs201616836, ClinGen allele CA3586722.

ClinVar aggregate classification (germline): Likely benign. Review status: criteria provided, multiple submitters, no conflicts (2 of 4 stars). 5 submissions from 5 submitters: Likely benign (5). Last evaluated 2026-01-17.

Conditions:
B4GALT7-related disorder. Also called: B4GALT7-related condition.
Spondylodysplastic Ehlers-Danlos syndrome. Identifiers: Orphanet 536471, Orphanet 75496, MedGen C5680154, MONDO:0007526.

Allele frequency attached by ClinVar (database versions not stated): ExAC 0.00007; gnomAD exomes 0.00013; 1000 Genomes Project 30x 0.00016; 1000 Genomes Project 0.00020; gnomAD 0.00021 and 0.00023; TOPMed 0.00039.
gnomAD v4.1: 142 of 1,613,810 alleles (0.0088%); highest among the groups gnomAD compares: Admixed American, 0.063%; no homozygotes.

Submissions (5):

Labcorp Genetics (formerly Invitae), Labcorp
Classification: Likely benign for Spondylodysplastic Ehlers-Danlos syndrome. Last evaluated: 2026-01-17. Review status: criteria provided, single submitter. Criteria: Invitae Variant Classification Sherloc (09022015). Collection method: clinical testing. Allele origin: germline.

PreventionGenetics, part of Exact Sciences
Classification: Likely benign for B4GALT7-related condition. Last evaluated: 2025-09-05. Review status: criteria provided, single submitter. Criteria: ACMG Guidelines, 2015. Collection method: clinical testing. Allele origin: germline.
Comment: This variant is classified as likely benign based on ACMG/AMP sequence variant interpretation guidelines (Richards et al. 2015 PMID: 25741868, with internal and published modifications).

Mayo Clinic Laboratories, Mayo Clinic
Classification: Likely benign. Last evaluated: 2025-08-15. Review status: criteria provided, single submitter. Criteria: ACMG Guidelines, 2015. Collection method: clinical testing. Allele origin: germline. Observed: 2 variant alleles.
Comment: BS1, BP4, BP7

Women's Health and Genetics/Laboratory Corporation of America, LabCorp
Classification: Likely benign. Last evaluated: 2025-05-23. Review status: criteria provided, single submitter. Criteria: LabCorp Variant Classification Summary - May 2015. Collection method: clinical testing. Allele origin: germline.

GeneDx
Classification: Likely benign. Last evaluated: 2020-06-26. Review status: criteria provided, single submitter. Criteria: GeneDx Variant Classification Process June 2021. Collection method: clinical testing. Allele origin: germline. Affected: yes.